The following is an entry in ClinVar:

NM_020732.3:c.6322C>T

Gene: ARID1B (AT-rich interaction domain 1B; plus strand).
Variant type: single nucleotide variant.
Other names: c.6322C>T (NM_020732.3).
Identifiers: ClinVar variation 4279692 (VCV004279692.1).

ClinVar aggregate classification (germline): Pathogenic (1 of 4 stars; one submission).

Conditions:
Coffin-Siris syndrome 1 (CSS1). Also called: ARID1B-Related Coffin-Siris Syndrome; Mental retardation, autosomal dominant 12. Identifiers: Orphanet 1465, MedGen C3281201, MONDO:0007617, OMIM 135900. Disease mechanism: gain of function.

Submission:

Daryl Scott Lab, Baylor College of Medicine
Classification: Pathogenic for Coffin-Siris syndrome 1. Last evaluated: 2025-08-25. Review status: criteria provided, single submitter. Criteria: ACMG Guidelines, 2015. Collection method: clinical testing. Allele origin: paternal. Affected: yes. Observed: 1 heterozygote.
Comment: PVS1, PM2